The following is an entry in ClinVar:

ClinVar aggregate classification (germline): Pathogenic. Review status: criteria provided, multiple submitters, no conflicts (2 of 4 stars). 2 submissions from 2 submitters: Pathogenic (2). Last evaluated 2022-09-05.

Conditions:
Fanconi anemia (FA). Also called: Fanconi's anemia. Identifiers: Orphanet 84, MedGen C0015625, MeSH D005199, MONDO:0019391.
Fanconi anemia complementation group G. Also called: FANCG-Related Fanconi Anemia; Fanconi anemia group G. Identifiers: Orphanet 84, MedGen C3469527, MONDO:0013565, OMIM 614082.

Submissions (2):

Baylor Genetics
Classification: Pathogenic for Fanconi anemia complementation group G. Last evaluated: 2022-09-05. Review status: criteria provided, single submitter. Criteria: ACMG Guidelines, 2015. Collection method: clinical testing. Allele origin: unknown.

Labcorp Genetics (formerly Invitae), Labcorp
Classification: Pathogenic for Fanconi anemia. Last evaluated: 2022-06-13. Review status: criteria provided, single submitter. Criteria: Invitae Variant Classification Sherloc (09022015). Collection method: clinical testing. Allele origin: germline.
Comment: This variant is not present in population databases (gnomAD no frequency). This sequence change creates a premature translational stop signal (p.Tyr551*) in the FANCG gene. It is expected to result in an absent or disrupted protein product. Loss-of-function variants in FANCG are known to be pathogenic (PMID: 12552564). This premature translational stop signal has been observed in individual(s) with FANCG-related conditions (PMID: 30031030). For these reasons, this variant has been classified as Pathogenic. ClinVar contains an entry for this variant (Variation ID: 1072435).

Literature cited by the submitters: PubMed 12552564 (cited by Labcorp Genetics (formerly Invitae), Labcorp); PubMed 30031030 (cited by Labcorp Genetics (formerly Invitae), Labcorp).

NM_004629.2(FANCG):c.1652dup (p.Tyr551Ter)

Gene: FANCG (FA complementation group G; minus strand). Cytogenetic location: 9p13.3.
Variant type: Duplication.
Coding change: c.1652dup on transcript NM_004629.2 (MANE Select); coding-DNA position 1652, one base duplicated (A; older notation c.1652dupA).
Protein change: p.Tyr551Ter; replaces tyrosine 551 with a stop codon.
Molecular consequence: nonsense.
Genome position (GRCh38, 1-based): chr9:35,074,479, T duplicated on the plus strand (A on the coding strand, the reverse complement: FANCG is on the minus strand). VCF-style (leftmost placement, unchanged base first): chr9-35074478-G-GT. GRCh37 (hg19) VCF-style: chr9-35074475-G-GT.
Other names: short protein forms Y551*.
Identifiers: ClinVar variation 1072435 (VCV001072435.10), dbSNP rs2131051951, ClinGen allele CA2499219875.
Genomic context (GRCh38, chr9:35,074,478, plus strand): 5'-CCAGAGTGCAGTGGCCTCATCCCTCCGATCTAGCCTCTTCAGAGTCTGAAGCAGGTGAAA[G>GT]TAAGTGTCTCGATTACCTGTAGCCCCAGCCCAGAGTACAGAGTCTTAGAACTTGACATAG-3'